The following is an entry in ClinVar:

NM_001040142.2(SCN2A):c.5065G>C (p.Val1689Leu)

Gene: SCN2A (sodium voltage-gated channel alpha subunit 2; plus strand). Cytogenetic location: 2q24.3.
Variant type: single nucleotide variant.
Coding change: c.5065G>C on transcript NM_001040142.2 (MANE Select); coding-DNA position 5065, G replaced by C.
Protein change: p.Val1689Leu; replaces valine 1689 with leucine.
Molecular consequence: missense variant.
Genome position (GRCh38, 1-based): chr2:165,388,871, G>C. VCF-style: chr2-165388871-G-C. GRCh37 (hg19) VCF-style: chr2-166245381-G-C.
Other names: p.V1689L:GTT>CTT; c.5065G>C, p.Val1689Leu (NM_001040143.2, NM_001371246.1, NM_001371247.1 and 1 more transcripts); short protein forms V1689L.
Identifiers: ClinVar variation 207023 (VCV000207023.3), dbSNP rs796053161, ClinGen allele CA318030.

ClinVar aggregate classification (germline): Uncertain significance (1 of 4 stars; one submission).

Allele frequency attached by ClinVar (database versions not stated): gnomAD exomes below 0.00001.
gnomAD v4.1: 2 of 1,614,094 alleles (0.00012%); highest among the groups gnomAD compares: South Asian, 0.0011%; no homozygotes.

Submission:

GeneDx
Classification: Uncertain significance. Last evaluated: 2020-12-29. Review status: criteria provided, single submitter. Criteria: GeneDx Variant Classification Process June 2021. Collection method: clinical testing. Allele origin: germline. Affected: yes.
Comment: Not observed at a significant frequency in large population cohorts (Lek et al., 2016); The majority of missense variants in this gene are considered pathogenic (Stenson et al., 2014); In silico analysis, which includes protein predictors and evolutionary conservation, supports that this variant does not alter protein structure/function; Has not been previously published as pathogenic or benign to our knowledge; This substitution is predicted to be within the extracellular loop between the S5 and S6 transmembrane segments of the fourth homologous domain